The following is an entry in ClinVar:

ClinVar aggregate classification (germline): Uncertain significance (1 of 4 stars; one submission).

Allele frequency attached by ClinVar (database versions not stated): gnomAD exomes below 0.00001.
gnomAD v4.1: 1 of 1,614,170 alleles (0.000062%); highest among the groups gnomAD compares: Non-Finnish European, 0.000085%; no homozygotes.

Submission:

Labcorp Genetics (formerly Invitae), Labcorp
Classification: Uncertain significance. Last evaluated: 2022-02-02. Review status: criteria provided, single submitter. Criteria: Invitae Variant Classification Sherloc (09022015). Collection method: clinical testing. Allele origin: germline.
Comment: This variant has not been reported in the literature in individuals affected with DPYS-related conditions. This sequence change replaces glycine, which is neutral and non-polar, with valine, which is neutral and non-polar, at codon 107 of the DPYS protein (p.Gly107Val). This variant is present in population databases (no rsID available, gnomAD 0.0009%). Algorithms developed to predict the effect of missense changes on protein structure and function are either unavailable or do not agree on the potential impact of this missense change (SIFT: "Deleterious"; PolyPhen-2: "Probably Damaging"; Align-GVGD: "Class C0"). In summary, the available evidence is currently insufficient to determine the role of this variant in disease. Therefore, it has been classified as a Variant of Uncertain Significance.

NM_001385.3(DPYS):c.320G>T (p.Gly107Val)

Gene: DPYS (dihydropyrimidinase; minus strand). Cytogenetic location: 8q22.3.
Variant type: single nucleotide variant.
Coding change: c.320G>T on transcript NM_001385.3 (MANE Select); coding-DNA position 320, G replaced by T.
Protein change: p.Gly107Val; replaces glycine 107 with valine.
Molecular consequence: missense variant.
Genome position (GRCh38, 1-based): chr8:104,451,349, C>A on the plus strand (G>T on the coding strand, the complement: DPYS is on the minus strand). VCF-style: chr8-104451349-C-A. GRCh37 (hg19) VCF-style: chr8-105463577-C-A.
Other names: short protein forms G107V.
Identifiers: ClinVar variation 2088720 (VCV002088720.4), dbSNP rs1236637632, ClinGen allele CA371938101.